The following is an entry in ClinVar:

ClinVar aggregate classification (germline): Uncertain significance (1 of 4 stars; one submission).

Conditions:
Immunodeficiency 31B. Also called: STAT1 DEFICIENCY, AUTOSOMAL RECESSIVE; IMMUNODEFICIENCY 31B, MYCOBACTERIAL AND VIRAL INFECTIONS, AUTOSOMAL RECESSIVE. Identifiers: Orphanet 391311, MedGen C3151088, MONDO:0013427, OMIM 613796.
Autoimmune enteropathy and endocrinopathy - susceptibility to chronic infections syndrome. Also called: Immunodeficiency 31C, autosomal dominant; Immunodeficiency 31C. Identifiers: Orphanet 391487, MedGen C3279990, MONDO:0013599, OMIM 614162.
Mendelian susceptibility to mycobacterial diseases due to partial STAT1 deficiency. Also called: IMMUNODEFICIENCY 31A, MYCOBACTERIOSIS, AUTOSOMAL DOMINANT; STAT1 DEFICIENCY, AUTOSOMAL DOMINANT; Immunodeficiency 31a. Identifiers: Orphanet 319595, MedGen C4013950, MONDO:0013956, OMIM 614892.

Submission:

Labcorp Genetics (formerly Invitae), Labcorp
Classification: Uncertain significance for Mendelian susceptibility to mycobacterial diseases due to partial STAT1 deficiency; Immunodeficiency 31B; Autoimmune enteropathy and endocrinopathy - susceptibility to chronic infections syndrome. Last evaluated: 2023-02-01. Review status: criteria provided, single submitter. Criteria: Invitae Variant Classification Sherloc (09022015). Collection method: clinical testing. Allele origin: germline.
Comment: In summary, the available evidence is currently insufficient to determine the role of this variant in disease. Therefore, it has been classified as a Variant of Uncertain Significance. Algorithms developed to predict the effect of missense changes on protein structure and function are either unavailable or do not agree on the potential impact of this missense change (SIFT: "Deleterious"; PolyPhen-2: "Probably Damaging"; Align-GVGD: "Class C15"). This variant has not been reported in the literature in individuals affected with STAT1-related conditions. This variant is not present in population databases (gnomAD no frequency). This sequence change replaces tryptophan, which is neutral and slightly polar, with cysteine, which is neutral and slightly polar, at codon 262 of the STAT1 protein (p.Trp262Cys).

NM_007315.4(STAT1):c.786G>T (p.Trp262Cys)

Gene: STAT1 (signal transducer and activator of transcription 1; minus strand). Cytogenetic location: 2q32.2.
Variant type: single nucleotide variant.
Coding change: c.786G>T on transcript NM_007315.4 (MANE Select); coding-DNA position 786, G replaced by T.
Protein change: p.Trp262Cys; replaces tryptophan 262 with cysteine.
Molecular consequence: missense variant. On other transcripts: intron variant (1).
Genome position (GRCh38, 1-based): chr2:190,995,219, C>A on the plus strand (G>T on the coding strand, the complement: STAT1 is on the minus strand). VCF-style: chr2-190995219-C-A. GRCh37 (hg19) VCF-style: chr2-191859945-C-A.
Other names: c.786G>T, p.Trp262Cys (NM_001384880.1, NM_001384882.1, NM_001384886.1 and 4 more transcripts); c.792G>T, p.Trp264Cys (NM_001384881.1, NM_001384884.1); c.687G>T, p.Trp229Cys (NM_001384883.1); c.696G>T, p.Trp232Cys (NM_001384890.1); c.822G>T, p.Trp274Cys (NM_001384891.1); c.785+2637G>T (NM_001384885.1); short protein forms W229C, W262C, W274C, W232C, W264C.
Identifiers: ClinVar variation 2941825 (VCV002941825.3), dbSNP rs2125063033, ClinGen allele CA349922284.